The following is an entry in ClinVar:

ClinVar aggregate classification (germline): Pathogenic (1 of 4 stars; one submission).

Conditions:
Noonan syndrome 9 (NS9). Identifiers: Orphanet 648, MedGen C4225282, MONDO:0014691, OMIM 616559.

Submission:

Labcorp Genetics (formerly Invitae), Labcorp
Classification: Pathogenic for Noonan syndrome 9. Last evaluated: 2022-03-14. Review status: criteria provided, single submitter. Criteria: Invitae Variant Classification Sherloc (09022015). Collection method: clinical testing. Allele origin: germline.
Comment: This missense change has been observed in individual(s) with SOS2-related conditions (Invitae). In at least one individual the variant was observed to be de novo. For these reasons, this variant has been classified as Pathogenic. Advanced modeling of protein sequence and biophysical properties (such as structural, functional, and spatial information, amino acid conservation, physicochemical variation, residue mobility, and thermodynamic stability) performed at Invitae indicates that this missense variant is expected to disrupt SOS2 protein function. This variant is not present in population databases (gnomAD no frequency). This sequence change replaces glutamic acid, which is acidic and polar, with lysine, which is basic and polar, at codon 431 of the SOS2 protein (p.Glu431Lys).

NM_006939.4(SOS2):c.1291G>A (p.Glu431Lys)

Gene: SOS2 (SOS Ras/Rho guanine nucleotide exchange factor 2; minus strand). Cytogenetic location: 14q21.3.
Variant type: single nucleotide variant.
Coding change: c.1291G>A on transcript NM_006939.4 (MANE Select); coding-DNA position 1291, G replaced by A.
Protein change: p.Glu431Lys; replaces glutamic acid 431 with lysine.
Molecular consequence: missense variant.
Genome position (GRCh38, 1-based): chr14:50,159,992, C>T on the plus strand (G>A on the coding strand, the complement: SOS2 is on the minus strand). VCF-style: chr14-50159992-C-T. GRCh37 (hg19) VCF-style: chr14-50626710-C-T.
Other names: c.1192G>A, p.Glu398Lys (NM_001411020.1); short protein forms E431K, E398K.
Identifiers: ClinVar variation 2039738 (VCV002039738.4), dbSNP rs2502991901, ClinGen allele CA389646126.
Genomic context (GRCh38, chr14:50,159,992, plus strand): 5'-TTCTTGTCAATGGTCCCTCCATAATGAATTCATTACAACACTGTCCAATATCTTTGCCTT[C>T]CCATCCATCGATATTTTTCTGAATTTCATTCATTTTTTTGATAGCCAGGTGTTTGCTTCT-3'
Protein context (NP_008870.2, residues 421-441): NEIQKNIDGW[Glu431Lys]GKDIGQCCNE